The following is an entry in ClinVar:

NM_025191.4(EDEM3):c.306-3T>A

Gene: EDEM3 (ER degradation enhancing alpha-mannosidase like protein 3; minus strand). Cytogenetic location: 1q25.3.
Variant type: single nucleotide variant.
Coding change: c.306-3T>A on transcript NM_025191.4 (MANE Select); 3 bases into the intron before coding-DNA position 306, T replaced by A.
Molecular consequence: intron variant.
Genome position (GRCh38, 1-based): chr1:184,737,067, A>T on the plus strand (T>A on the coding strand, the complement: EDEM3 is on the minus strand). VCF-style: chr1-184737067-A-T. GRCh37 (hg19) VCF-style: chr1-184706201-A-T.
Other names: c.306-3T>A (NM_001319960.2).
Identifiers: ClinVar variation 4854108 (VCV004854108.1).
Genomic context (GRCh38, chr1:184,737,067, plus strand): 5'-AAGAAGAGTCAAACCTACCACAAGAGTGTCCAAAGAATCAATCAGTGTCAGAGAAAATCT[A>T]AGAAACAAGCGTTAACAAGATATAAAACATTAGAATCCTAAATAGTTTATGAATGTACAA-3'

ClinVar aggregate classification (germline): Uncertain significance (1 of 4 stars; one submission).

Conditions:
Congenital disorder of glycosylation, type 2v. Identifiers: Orphanet 695783, MedGen C5561971, MONDO:0030423, OMIM 619493.

Submission:

3billion
Classification: Uncertain significance for Congenital disorder of glycosylation, type 2v. Last evaluated: 2025-11-18. Review status: criteria provided, single submitter. Criteria: ACMG Guidelines, 2015. Collection method: clinical testing. Allele origin: germline. Affected: yes.
Comment: The variant is not observed in the gnomAD v4.1.0 dataset. Predicted Consequence/Location: Intron variant In silico tools predict the variant to alter splicing and produce an abnormal transcript [SpliceAI: 0.78 (>=0.2, moderate evidence for spliceogenicity)]. Therefore, this variant is classified as VUS according to the recommendation of ACMG/AMP guideline.